The following is an entry in ClinVar:

ClinVar aggregate classification (germline): Likely benign (0 of 4 stars; one submission).

Conditions:
ARHGDIA-related disorder. Also called: ARHGDIA-related condition.

Allele frequency attached by ClinVar (database versions not stated): gnomAD exomes 0.00009; 1000 Genomes Project 30x 0.00031; 1000 Genomes Project 0.00040.

Submission:

PreventionGenetics, part of Exact Sciences
Classification: Likely benign for ARHGDIA-related condition. Last evaluated: 2019-12-26. Review status: no assertion criteria provided. Collection method: clinical testing. Allele origin: germline.
Comment: This variant is classified as likely benign based on ACMG/AMP sequence variant interpretation guidelines (Richards et al. 2015 PMID: 25741868, with internal and published modifications).

NM_004309.6(ARHGDIA):c.*421G>A

Gene: ARHGDIA (Rho GDP dissociation inhibitor alpha; minus strand). Cytogenetic location: 17q25.3.
Variant type: single nucleotide variant.
Coding change: c.*421G>A on transcript NM_004309.6 (MANE Select); 421 bases downstream of the stop codon, G replaced by A.
Molecular consequence: 3 prime UTR variant. On other transcripts: missense variant (2), synonymous variant (1), non-coding transcript variant (1).
Genome position (GRCh38, 1-based): chr17:81,868,455, C>T on the plus strand (G>A on the coding strand, the complement: ARHGDIA is on the minus strand). VCF-style: chr17-81868455-C-T. GRCh37 (hg19) VCF-style: chr17-79826331-C-T.
Other names: c.*421G>A (NM_001185077.3, NM_001185078.3, NM_001301243.2); c.632G>A, p.Arg211Gln (NM_001301240.2, NM_001301241.2); c.924G>A, p.Thr308= (NM_001301242.2); short protein forms R211Q.
Identifiers: ClinVar variation 3045377 (VCV003045377.2), dbSNP rs151190257, ClinGen allele CA8843107.